The following is an entry in ClinVar:

NM_001301071.2(DOK7):c.1541-5C>T

Gene: DOK7 (docking protein 7; plus strand). Cytogenetic location: 4p16.3.
Variant type: single nucleotide variant.
Coding change: c.1541-5C>T on transcript NM_001301071.2; 5 bases into the intron before coding-DNA position 1541, C replaced by T.
Molecular consequence: intron variant.
Genome position (GRCh38, 1-based): chr4:3,500,246, C>T. VCF-style: chr4-3500246-C-T. GRCh37 (hg19) VCF-style: chr4-3501973-C-T.
Other names: c.1109-5C>T (NM_001363811.2).
Identifiers: ClinVar variation 3057972 (VCV003057972.2), dbSNP rs377039397, ClinGen allele CA2829616.
Genomic context (GRCh38, chr4:3,500,246, plus strand): 5'-CACAATCTTTGAGATCTGTGCCCCTCTCGGTCCCCACCGGGGCTTCACAGCCGCTCCCCC[C>T]ACAGGATCCCCAGGACCCGTGGCTGTGGACAGCCCAGGACCAGAGAGGCCGCGCGGCGAG-3'

ClinVar aggregate classification (germline): Likely benign (0 of 4 stars; one submission).

Conditions:
DOK7-related disorder. Also called: DOK7-related condition.

Allele frequency attached by ClinVar (database versions not stated): 1000 Genomes Project 30x 0.00031; 1000 Genomes Project 0.00040.
gnomAD v4.1: 57 of 1,535,222 alleles (0.0037%); highest among the groups gnomAD compares: African/African-American, 0.063%; no homozygotes.

Submission:

PreventionGenetics, part of Exact Sciences
Classification: Likely benign for DOK7-related condition. Last evaluated: 2019-04-01. Review status: no assertion criteria provided. Collection method: clinical testing. Allele origin: germline.
Comment: This variant is classified as likely benign based on ACMG/AMP sequence variant interpretation guidelines (Richards et al. 2015 PMID: 25741868, with internal and published modifications).